The following is an entry in ClinVar:

ClinVar aggregate classification (germline): Uncertain significance (1 of 4 stars; one submission).

Submission:

Labcorp Genetics (formerly Invitae), Labcorp
Classification: Uncertain significance. Last evaluated: 2022-03-23. Review status: criteria provided, single submitter. Criteria: Invitae Variant Classification Sherloc (09022015). Collection method: clinical testing. Allele origin: germline.
Comment: In summary, the available evidence is currently insufficient to determine the role of this variant in disease. Therefore, it has been classified as a Variant of Uncertain Significance. Advanced modeling of protein sequence and biophysical properties (such as structural, functional, and spatial information, amino acid conservation, physicochemical variation, residue mobility, and thermodynamic stability) performed at Invitae indicates that this missense variant is not expected to disrupt ATP1A1 protein function. This variant has not been reported in the literature in individuals affected with ATP1A1-related conditions. This variant is not present in population databases (gnomAD no frequency). This sequence change replaces alanine, which is neutral and non-polar, with glycine, which is neutral and non-polar, at codon 435 of the ATP1A1 protein (p.Ala435Gly).

NM_000701.8(ATP1A1):c.1304C>G (p.Ala435Gly)

Gene: ATP1A1 (ATPase Na+/K+ transporting subunit alpha 1; plus strand). Cytogenetic location: 1p13.1.
Variant type: single nucleotide variant.
Coding change: c.1304C>G on transcript NM_000701.8 (MANE Select); coding-DNA position 1304, C replaced by G.
Protein change: p.Ala435Gly; replaces alanine 435 with glycine.
Molecular consequence: missense variant.
Genome position (GRCh38, 1-based): chr1:116,390,863, C>G. VCF-style: chr1-116390863-C-G. GRCh37 (hg19) VCF-style: chr1-116933485-C-G.
Other names: c.1304C>G, p.Ala435Gly (NM_001160233.2); c.1211C>G, p.Ala404Gly (NM_001160234.2); short protein forms A404G, A435G.
Identifiers: ClinVar variation 2116368 (VCV002116368.4), dbSNP rs2525841667, ClinGen allele CA341844906.